The following is an entry in ClinVar:

Conditions:
Breast-ovarian cancer, familial, susceptibility to, 1 (BROVCA1). Also called: BRCA1 Hereditary Breast and Ovarian Cancer; OVARIAN CANCER, SUSCEPTIBILITY TO. Identifiers: Orphanet 145, MedGen C2676676, MONDO:0011450, OMIM 604370. Disease mechanism: loss of function.

Submission:

Brotman Baty Institute, University of Washington
No classification provided (evidence only). Condition: Breast-ovarian cancer, familial 1. Review status: no classification provided. Collection method: in vitro. Allele origin: not applicable. Functional consequence: functionally_abnormal.
ClinVar note: "not provided" was previously submitted as the classification for the variant. However, the classification appeared to be based only on an observation of functional data so it was converted to no classification on 2025-07-30.

NM_007294.4(BRCA1):c.4986+1G>C

Gene: BRCA1 (BRCA1 DNA repair associated; minus strand). Cytogenetic location: 17q21.31.
Variant type: single nucleotide variant.
Coding change: c.4986+1G>C on transcript NM_007294.4 (MANE Select); the canonical splice donor site of the intron after coding-DNA position 4986, G replaced by C.
Molecular consequence: splice donor variant. On other transcripts: intron variant (1).
Genome position (GRCh38, 1-based): chr17:43,070,927, C>G on the plus strand (G>C on the coding strand, the complement: BRCA1 is on the minus strand). VCF-style: chr17-43070927-C-G. GRCh37 (hg19) VCF-style: chr17-41222944-C-G.
Other names: c.4980+1G>C (NM_001407628.1, NM_001407637.1, NM_001407641.1 and 14 more transcripts); c.4983+1G>C (NM_001407860.1, NM_001407611.1, NM_001407624.1 and 17 more transcripts); c.5046+1G>C (NM_001407590.1, NM_001407591.1); c.1551+1G>C (NM_001408443.1, NM_001408439.1, NM_001408442.1 and 10 more transcripts); c.1554+1G>C (NM_001408425.1, NM_001408426.1, NM_001408428.1 and 4 more transcripts); c.4857+1G>C (NM_001407681.1, NM_001407687.1, NM_001407941.1 and 6 more transcripts); c.4860+1G>C (NM_001407675.1, NM_001407680.1, NM_001407672.1 and 11 more transcripts); c.4863+1G>C (NM_001407664.1, NM_001407666.1, NM_001407919.1 and 6 more transcripts); and 71 more.
Identifiers: ClinVar variation 868085 (VCV000868085.4), dbSNP rs80358162, ClinGen allele CA10591550.